The following is an entry in ClinVar:

ClinVar aggregate classification (germline): Pathogenic (1 of 4 stars; one submission).

Conditions:
Primary ciliary dyskinesia. Also called: Ciliary dyskinesia. Identifiers: Orphanet 244, MedGen C0008780, MONDO:0016575, HP:0012265.

Submission:

Labcorp Genetics (formerly Invitae), Labcorp
Classification: Pathogenic for Primary ciliary dyskinesia. Last evaluated: 2022-12-06. Review status: criteria provided, single submitter. Criteria: Invitae Variant Classification Sherloc (09022015). Collection method: clinical testing. Allele origin: germline.
Comment: For these reasons, this variant has been classified as Pathogenic. This variant has not been reported in the literature in individuals affected with DNAH5-related conditions. This variant is not present in population databases (gnomAD no frequency). This sequence change creates a premature translational stop signal (p.Gln3467Glyfs*4) in the DNAH5 gene. It is expected to result in an absent or disrupted protein product. Loss-of-function variants in DNAH5 are known to be pathogenic (PMID: 11788826, 16627867).

Literature cited by the submitters: PubMed 11788826; PubMed 16627867.

NM_001369.3(DNAH5):c.10399_10400del (p.Gln3467fs)

Gene: DNAH5 (dynein axonemal heavy chain 5; minus strand). Cytogenetic location: 5p15.2.
Variant type: Deletion.
Coding change: c.10399_10400del on transcript NM_001369.3 (MANE Select); coding-DNA positions 10399 to 10400, 2 bases deleted (CA; older notation c.10399_10400delCA).
Protein change: p.Gln3467fs; shifts the reading frame from glutamine 3467.
Molecular consequence: frameshift variant.
Genome position (GRCh38, 1-based): chr5:13,758,865-13,758,866, TG deleted on the plus strand (CA on the coding strand, the reverse complement: DNAH5 is on the minus strand); deleting any 2 consecutive bases within chr5:13,758,865-13,758,867 gives the same sequence; the c. name uses the placement nearest the transcript's 3' end. VCF-style (leftmost placement, unchanged base first): chr5-13758864-CTG-C. GRCh37 (hg19) VCF-style: chr5-13758973-CTG-C.
Other names: short protein forms Q3467fs.
Identifiers: ClinVar variation 2818894 (VCV002818894.3), dbSNP rs2546630731, ClinGen allele CA2739274604.